The following is an entry in ClinVar:

NM_006005.3(WFS1):c.2143A>G (p.Ser715Gly)

Gene: WFS1 (wolframin ER transmembrane glycoprotein; plus strand). Cytogenetic location: 4p16.1.
Variant type: single nucleotide variant.
Coding change: c.2143A>G on transcript NM_006005.3 (MANE Select); coding-DNA position 2143, A replaced by G.
Protein change: p.Ser715Gly; replaces serine 715 with glycine.
Molecular consequence: missense variant.
Genome position (GRCh38, 1-based): chr4:6,301,938, A>G. VCF-style: chr4-6301938-A-G. GRCh37 (hg19) VCF-style: chr4-6303665-A-G.
Other names: c.2143A>G, p.Ser715Gly (NM_001145853.1); short protein forms S715G.
Identifiers: ClinVar variation 1902834 (VCV001902834.2), dbSNP rs748313250, ClinGen allele CA2839617.

ClinVar aggregate classification (germline): Uncertain significance (1 of 4 stars; one submission).

Allele frequency attached by ClinVar (database versions not stated): gnomAD exomes below 0.00001; gnomAD 0.00001; TOPMed 0.00001; ExAC 0.00003.
gnomAD v4.1: 5 of 1,612,762 alleles (0.00031%); highest among the groups gnomAD compares: East Asian, 0.0089%; no homozygotes.

Submission:

Labcorp Genetics (formerly Invitae), Labcorp
Classification: Uncertain significance. Last evaluated: 2022-07-25. Review status: criteria provided, single submitter. Criteria: Invitae Variant Classification Sherloc (09022015). Collection method: clinical testing. Allele origin: germline.
Comment: This sequence change replaces serine, which is neutral and polar, with glycine, which is neutral and non-polar, at codon 715 of the WFS1 protein (p.Ser715Gly). This variant is present in population databases (rs748313250, gnomAD 0.03%). This variant has not been reported in the literature in individuals affected with WFS1-related conditions. Advanced modeling of protein sequence and biophysical properties (such as structural, functional, and spatial information, amino acid conservation, physicochemical variation, residue mobility, and thermodynamic stability) performed at Invitae indicates that this missense variant is not expected to disrupt WFS1 protein function. In summary, the available evidence is currently insufficient to determine the role of this variant in disease. Therefore, it has been classified as a Variant of Uncertain Significance.